The following is an entry in ClinVar:

NM_005251.3(FOXC2):c.803C>T (p.Pro268Leu)

Gene: FOXC2 (forkhead box C2; plus strand). Cytogenetic location: 16q24.1.
Variant type: single nucleotide variant.
Coding change: c.803C>T on transcript NM_005251.3 (MANE Select); coding-DNA position 803, C replaced by T.
Protein change: p.Pro268Leu; replaces proline 268 with leucine.
Molecular consequence: missense variant.
Genome position (GRCh38, 1-based): chr16:86,568,138, C>T. VCF-style: chr16-86568138-C-T. GRCh37 (hg19) VCF-style: chr16-86601744-C-T.
Other names: short protein forms P268L.
Identifiers: ClinVar variation 4689339 (VCV004689339.1).

ClinVar aggregate classification (germline): Uncertain significance (1 of 4 stars; one submission).

gnomAD v4.1: 8 of 1,348,574 alleles (0.00059%); highest among the groups gnomAD compares: Non-Finnish European, 0.00076%; no homozygotes.

Submission:

Women's Health and Genetics/Laboratory Corporation of America, LabCorp
Classification: Uncertain significance. Last evaluated: 2026-01-27. Review status: criteria provided, single submitter. Criteria: LabCorp Variant Classification Summary - May 2015. Collection method: clinical testing. Allele origin: germline.
Comment: Variant summary: FOXC2 c.803C>T (p.Pro268Leu) results in a non-conservative amino acid change in the encoded protein sequence. Algorithms developed to predict the effect of missense changes on protein structure and function all suggest that this variant is likely to be disruptive. The frequency data for this variant in gnomAD is considered unreliable, as metrics indicate poor data quality at this position. To our knowledge, no occurrence of c.803C>T in individuals affected with FOXC2-related conditions and no experimental evidence demonstrating its impact on protein function have been reported. No submitters have cited clinical-significance assessments for this variant to ClinVar. Based on the evidence outlined above, the variant was classified as uncertain significance.